The following is an entry in ClinVar:

NM_001377142.1(PLCB4):c.2566A>G (p.Ile856Val)

Gene: PLCB4 (phospholipase C beta 4; plus strand). Cytogenetic location: 20p12.2.
Variant type: single nucleotide variant.
Coding change: c.2566A>G on transcript NM_001377142.1 (MANE Select); coding-DNA position 2566, A replaced by G.
Protein change: p.Ile856Val; replaces isoleucine 856 with valine.
Molecular consequence: missense variant.
Genome position (GRCh38, 1-based): chr20:9,435,601, A>G. VCF-style: chr20-9435601-A-G. GRCh37 (hg19) VCF-style: chr20-9416248-A-G.
Other names: c.2530A>G, p.Ile844Val (NM_000933.4, NM_001377134.2, NM_001377135.1 and 2 more transcripts); c.2566A>G, p.Ile856Val (NM_001172646.2, NM_001377143.1); short protein forms I856V, I844V.
Identifiers: ClinVar variation 339579 (VCV000339579.5), dbSNP rs151284195, ClinGen allele CA9761414.

ClinVar aggregate classification (germline): Likely benign (1 of 4 stars; one submission).

Conditions:
Auriculocondylar syndrome 2 (ARCND2A). Also called: AURICULOCONDYLAR SYNDROME 2A. Identifiers: Orphanet 137888, MedGen C3553404, MONDO:0013845, OMIM 614669.

Allele frequency attached by ClinVar (database versions not stated): ExAC 0.00002; ESP Exome Variant Server 0.00008; gnomAD exomes 0.00001; TOPMed 0.00001.
gnomAD v4.1: 14 of 1,610,292 alleles (0.00087%); highest among the groups gnomAD compares: Middle Eastern, 0.033%; no homozygotes.

Submission:

Illumina Laboratory Services, Illumina
Classification: Likely benign for Auriculocondylar syndrome 2. Last evaluated: 2018-01-13. Review status: criteria provided, single submitter. Criteria: ICSL Variant Classification Criteria 13 December 2019. Collection method: clinical testing. Allele origin: germline.
Comment: This variant was observed in the ICSL laboratory as part of a predisposition screen in an ostensibly healthy population. It had not been previously curated by ICSL or reported in the Human Gene Mutation Database (HGMD: prior to June 1st, 2018), and was therefore a candidate for classification through an automated scoring system. Utilizing variant allele frequency, disease prevalence and penetrance estimates, and inheritance mode, an automated score was calculated to assess if this variant is too frequent to cause the disease. Based on the score and internal cut-off values, a variant classified as likely benign is not then subjected to further curation. The score for this variant resulted in a classification of likely benign for this disease.